The following is an entry in ClinVar:

ClinVar aggregate classification (germline): Conflicting classifications of pathogenicity. Review status: criteria provided, conflicting classifications (1 of 4 stars). 3 submissions from 3 submitters: Likely pathogenic (2); Uncertain significance (1). Last evaluated 2025-12-21.

Conditions:
Hereditary nonpolyposis colorectal neoplasms. Identifiers: MedGen C0009405, MeSH D003123.
Hereditary cancer-predisposing syndrome. Also called: Neoplastic Syndromes, Hereditary; Tumor predisposition; Hereditary Cancer Syndrome; Hereditary neoplastic syndrome. Identifiers: Orphanet 140162, MedGen C0027672, MeSH D009386, MONDO:0015356.

Submissions (3):

Labcorp Genetics (formerly Invitae), Labcorp
Classification: Likely pathogenic for Hereditary nonpolyposis colorectal neoplasms. Last evaluated: 2025-12-21. Review status: criteria provided, single submitter. Criteria: Invitae Variant Classification Sherloc (09022015). Collection method: clinical testing. Allele origin: germline.
Comment: This sequence change replaces alanine, which is neutral and non-polar, with aspartic acid, which is acidic and polar, at codon 1154 of the MSH6 protein (p.Ala1154Asp). This variant is not present in population databases (gnomAD no frequency). This missense change has been observed in individual(s) with clinical features of MSH6-related conditions (internal data). In at least one individual the data is consistent with being in trans (on the opposite chromosome) from a pathogenic variant. ClinVar contains an entry for this variant (Variation ID: 186296). Invitae Evidence Modeling of protein sequence and biophysical properties (such as structural, functional, and spatial information, amino acid conservation, physicochemical variation, residue mobility, and thermodynamic stability) indicates that this missense variant is expected to disrupt MSH6 protein function with a positive predictive value of 95%. In summary, the currently available evidence indicates that the variant is pathogenic, but additional data are needed to prove that conclusively. Therefore, this variant has been classified as Likely Pathogenic.

Ambry Genetics
Classification: Likely pathogenic for Hereditary cancer-predisposing syndrome. Last evaluated: 2025-03-04. Review status: criteria provided, single submitter. Criteria: Ambry Variant Classification Scheme 2023. Collection method: clinical testing. Allele origin: germline.
Comment: The p.A1154D variant (also known as c.3461C>A), located in coding exon 6 of the MSH6 gene, results from a C to A substitution at nucleotide position 3461. The alanine at codon 1154 is replaced by aspartic acid, an amino acid with dissimilar properties. Based on an internal structural analysis, A1154D is moderately disruptive to the structure of the MSH6 ATPase domain, introducing a large, charged side-chain into the hydrophobic core of the domain and is more disruptive than a pathogenic variant nearby through a comparable mechanism (Ambry internal data). This alteration has been observed in at least one individual with a personal and/or family history that is consistent with MSH6-related disease (Ambry internal data). This amino acid position is highly conserved in available vertebrate species. In addition, this alteration is predicted to be deleterious by in silico analysis. This variant is considered to be rare based on population cohorts in the Genome Aggregation Database (gnomAD). Based on the majority of available evidence to date, this variant is likely to be pathogenic.

Institute for Genomic Medicine (IGM) Clinical Laboratory, Nationwide Children's Hospital
Classification: Uncertain significance for Hereditary cancer-predisposing syndrome. Last evaluated: 2024-04-09. Review status: criteria provided, single submitter. Criteria: ACMG Guidelines, 2015. Collection method: clinical testing. Allele origin: germline.
Comment: This variant is absent from or present at an exceedingly low frequency in gnomAD, a large-scale control population database (ACMG/AMP: PM2). This variant is predicted to alter protein function or structure, or disrupt splicing by multiple in silico tools (ACMG/AMP: PP3). This variant results in a missense alteration in a gene for which primarily truncating variants are known to cause disease (ACMG/AMP: BP1).

NM_000179.3(MSH6):c.3461C>A (p.Ala1154Asp)

Gene: MSH6 (mutS homolog 6; plus strand). Cytogenetic location: 2p16.3.
Variant type: single nucleotide variant.
Coding change: c.3461C>A on transcript NM_000179.3 (MANE Select); coding-DNA position 3461, C replaced by A.
Protein change: p.Ala1154Asp; replaces alanine 1154 with aspartic acid.
Molecular consequence: missense variant.
Genome position (GRCh38, 1-based): chr2:47,804,932, C>A. VCF-style: chr2-47804932-C-A. GRCh37 (hg19) VCF-style: chr2-48032071-C-A.
Other names: c.3071C>A, p.Ala1024Asp (NM_001281492.2); c.2555C>A, p.Ala852Asp (NM_001281493.2, NM_001281494.2); short protein forms A1154D, A1024D, A852D.
Identifiers: ClinVar variation 186296 (VCV000186296.16), dbSNP rs786202842, ClinGen allele CA012959.